The following is an entry in ClinVar:

ClinVar aggregate classification (germline): Pathogenic. Review status: criteria provided, multiple submitters, no conflicts (2 of 4 stars). 11 submissions from 11 submitters: Pathogenic (10). 1 of the submissions does not count toward it. Last evaluated 2026-08-11.

Conditions:
POLR3A-related disorder. Also called: POLR3A-related disorders; POLR3A-related condition. Identifiers: MedGen CN378587, MONDO:0700276.
Autosomal recessive POLR3A-related disorders.
Fetal anomalies with a likely genetic cause.
Leukodystrophy. Identifiers: Orphanet 68356, MedGen C0023520, MONDO:0019046, HP:0002415.
Neonatal pseudo-hydrocephalic progeroid syndrome. Also called: Wiedemann-Rautenstrauch syndrome. Identifiers: Orphanet 3455, MedGen C0406586, MONDO:0009910, OMIM 264090.

Allele frequency attached by ClinVar (database versions not stated): ExAC 0.00003; gnomAD 0.00004 and 0.00005; gnomAD exomes 0.00005; TOPMed 0.00005; ESP Exome Variant Server 0.00008.
gnomAD v4.1: 62 of 1,612,742 alleles (0.0038%); highest among the groups gnomAD compares: African/African-American, 0.0067%; no homozygotes.

Submissions (11):

Genetics Laboratory, Great Ormond Street Hospital NHS Foundation Trust, North Thames Genomic Laboratory Hub
Classification: Pathogenic for Fetal anomalies with a likely genetic cause. Last evaluated: 2026-08-11. Review status: criteria provided, single submitter. Criteria: ACGS Best Practice Guidelines for Variant Classification in Rare Disease 2024 v1.2. Collection method: clinical testing. Allele origin: germline. Affected: yes.
Comment: PM2_moderate, PVS1_very-strong, PM3_moderate

Labcorp Genetics (formerly Invitae), Labcorp
Classification: Pathogenic. Last evaluated: 2025-06-08. Review status: criteria provided, single submitter. Criteria: Invitae Variant Classification Sherloc (09022015). Collection method: clinical testing. Allele origin: germline.
Comment: This sequence change creates a premature translational stop signal (p.Arg873*) in the POLR3A gene. It is expected to result in an absent or disrupted protein product. Loss-of-function variants in POLR3A are known to be pathogenic (PMID: 21855841, 25339210, 27612211, 30414627, 30450527). This variant is present in population databases (rs148932047, gnomAD 0.01%). This premature translational stop signal has been observed in individual(s) with neonatal progeriod syndrome and/or spastic ataxia (PMID: 27612211, 28459997). ClinVar contains an entry for this variant (Variation ID: 235466). For these reasons, this variant has been classified as Pathogenic.

Variantyx, Inc.
Classification: Pathogenic for Autosomal recessive POLR3A-related disorders. Last evaluated: 2025-05-06. Review status: criteria provided, single submitter. Criteria: Variantyx Assertion Criteria 2022. Collection method: clinical testing. Allele origin: germline. Inheritance: Autosomal recessive inheritance. Affected: yes.
Comment: This is a nonsense variant in the POLR3A gene (OMIM: 614258). Pathogenic variants in this gene have been associated with autosomal recessive POLR3A-related disorders. This variant introduces a premature termination codon in exon 20 out of 31 and is expected to result in loss of function, which is a known disease mechanism for POLR3A in this disorder (PMID: 22855961, 21855841, 25339210) (PVS1). This variant has been reported in the homozygous or compound heterozygous state in at least 2 unrelated affected individuals (PMID: 28459997, 27612211) (PM3). It has a 0.0067% maximum allele frequency in non-founder control populations (PM2). Based on the current evidence, this variant is classified as pathogenic for autosomal recessive POLR3A-related disorders.

GeneDx
Classification: Pathogenic. Last evaluated: 2024-04-26. Review status: criteria provided, single submitter. Criteria: GeneDx Variant Classification Process June 2021. Collection method: clinical testing. Allele origin: germline.
Comment: Nonsense variant predicted to result in protein truncation or nonsense mediated decay in a gene for which loss of function is a known mechanism of disease; Not observed at significant frequency in large population cohorts (gnomAD); This variant is associated with the following publications: (PMID: 28459997, 27612211, 31589614, 36354755, 34773388)

CeGaT Center for Human Genetics Tuebingen
Classification: Pathogenic. Last evaluated: 2023-10-01. Review status: criteria provided, single submitter. Criteria: CeGaT Center For Human Genetics Tuebingen Variant Classification Criteria Version 2. Collection method: clinical testing. Allele origin: germline. Affected: yes. Observed: 1 variant allele.
Comment: POLR3A: PVS1, PM3:Strong, PM2

Revvity Omics, Revvity
Classification: Pathogenic. Last evaluated: 2023-09-30. Review status: criteria provided, single submitter. Criteria: ACMG Guidelines, 2015. Collection method: clinical testing. Allele origin: germline.

Broad Center for Mendelian Genomics, Broad Institute of MIT and Harvard
Classification: Pathogenic for Leukodystrophy. Last evaluated: 2023-01-24. Review status: criteria provided, single submitter. Criteria: ACMG Guidelines, 2015. Collection method: curation. Allele origin: germline. Inheritance: Autosomal recessive inheritance.
Comment: The p.Arg873Ter variant in POLR3A has been reported in 2 individuals with POLR3A-related disorders (PMID: 27612211, 28459997), and has been identified in 0.01% (2/19914) of East Asian chromosomes by the Genome Aggregation Database (gnomAD; dbSNP ID: rs148932047). Although this variant has been seen in the general population in a heterozygous state, its frequency is low enough to be consistent with a recessive carrier frequency. This variant has also been reported in ClinVar (Variation ID#: 235466) and has been interpreted as pathogenic by Center for Pediatric Genomic Medicine (Children's Mercy Hospital and Clinics), Invitae, OMIM, and PerkinElmer Genomics. Of the 2 affected individuals, 1 was a compound heterozygote that carried a reported likely pathogenic variant in trans, which increases the likelihood that the p.Arg873Ter variant is pathogenic (VariationID: 31144; PMID: 27612211). This nonsense variant leads to a premature termination codon at position 873, which is predicted to lead to a truncated or absent protein. Loss of function of the POLR3A gene is an established disease mechanism in autosomal recessive POLR3A-related disorders. In summary, this variant meets criteria to be classified as pathogenic for autosomal recessive POLR3A-related disorders. ACMG/AMP Criteria applied: PVS1, PM3, PM2_supporting (Richards 2015).

PreventionGenetics, part of Exact Sciences
Classification: Pathogenic for POLR3A-related condition. Last evaluated: 2022-10-31. Review status: criteria provided, single submitter. Criteria: ACMG Guidelines, 2015. Collection method: clinical testing. Allele origin: germline.
Comment: The POLR3A c.2617C>T variant is predicted to result in premature protein termination (p.Arg873*). This variant has been reported in the compound heterozygous state in two individuals with autosomal recessive POLR3A related disorders (Jay et al. 2016. PubMed ID: 27612211; Minnerop et al. 2017. PubMed ID: 28459997). This variant is reported in 0.010% of alleles in individuals of East Asian descent in gnomAD. Nonsense variants in POLR3A are expected to be pathogenic. This variant is interpreted as pathogenic.

Blueprint Genetics
Classification: Pathogenic for POLR3A-related disorders. Last evaluated: 2018-09-13. Review status: criteria provided, single submitter. Criteria: ACMG Guidelines, 2015. Collection method: clinical testing. Allele origin: germline. Affected: yes. Observed: 2 variant alleles.

Center for Pediatric Genomic Medicine, Children's Mercy Hospital and Clinics
Classification: Pathogenic. Last evaluated: 2016-01-08. Review status: criteria provided, single submitter. Criteria: ACMG Guidelines, 2015. Collection method: clinical testing. Allele origin: germline.

OMIM
Classification: Pathogenic for WIEDEMANN-RAUTENSTRAUCH SYNDROME. Last evaluated: 2019-02-13. Review status: no assertion criteria provided. Collection method: literature only. Allele origin: germline. Not counted in ClinVar's aggregate classification.

Literature cited by the submitters: PubMed 21855841 (cited by Labcorp Genetics (formerly Invitae), Labcorp and Variantyx, Inc.); PubMed 25339210 (cited by Labcorp Genetics (formerly Invitae), Labcorp and Variantyx, Inc.); PubMed 27612211 (cited by 3 submitters); PubMed 30414627 (cited by Labcorp Genetics (formerly Invitae), Labcorp); PubMed 30450527 (cited by Labcorp Genetics (formerly Invitae), Labcorp); PubMed 28459997 (cited by Labcorp Genetics (formerly Invitae), Labcorp and Variantyx, Inc.); PubMed 22855961 (cited by Variantyx, Inc.).

NM_007055.4(POLR3A):c.2617C>T (p.Arg873Ter)

Gene: POLR3A (RNA polymerase III subunit A; minus strand). Cytogenetic location: 10q22.3.
Variant type: single nucleotide variant.
Coding change: c.2617C>T on transcript NM_007055.4 (MANE Select); coding-DNA position 2617, C replaced by T.
Protein change: p.Arg873Ter; replaces arginine 873 with a stop codon.
Molecular consequence: nonsense.
Genome position (GRCh38, 1-based): chr10:77,993,367, G>A on the plus strand (C>T on the coding strand, the complement: POLR3A is on the minus strand). VCF-style: chr10-77993367-G-A. GRCh37 (hg19) VCF-style: chr10-79753125-G-A.
Other names: NM_007055.4(POLR3A):c.2617C>T; p.Arg873Ter; c.2617C>T (NM_007055.3); short protein forms R873*.
Identifiers: ClinVar variation 235466 (VCV000235466.39), dbSNP rs148932047, ClinGen allele CA5571060.